The following is an entry in ClinVar:

NM_001099271.2(POC5):c.888G>T (p.Trp296Cys)

Gene: POC5 (POC5 centriolar protein; minus strand). Cytogenetic location: 5q13.3.
Variant type: single nucleotide variant.
Coding change: c.888G>T on transcript NM_001099271.2 (MANE Select); coding-DNA position 888, G replaced by T.
Protein change: p.Trp296Cys; replaces tryptophan 296 with cysteine.
Molecular consequence: missense variant.
Genome position (GRCh38, 1-based): chr5:75,690,470, C>A on the plus strand (G>T on the coding strand, the complement: POC5 is on the minus strand). VCF-style: chr5-75690470-C-A. GRCh37 (hg19) VCF-style: chr5-74986295-C-A.
Other names: c.813G>T, p.Trp271Cys (NM_152408.3); short protein forms W271C, W296C.
Identifiers: ClinVar variation 1950410 (VCV001950410.6), dbSNP rs745837144, ClinGen allele CA3310451.

ClinVar aggregate classification (germline): Uncertain significance. Review status: criteria provided, multiple submitters, no conflicts (2 of 4 stars). 2 submissions from 2 submitters: Uncertain significance (2). Last evaluated 2024-02-17.

Allele frequency attached by ClinVar (database versions not stated): ExAC 0.00008.
gnomAD v4.1: 53 of 1,611,222 alleles (0.0033%); highest among the groups gnomAD compares: South Asian, 0.059%; 1 homozygote.

Submissions (2):

Labcorp Genetics (formerly Invitae), Labcorp
Classification: Uncertain significance. Last evaluated: 2024-02-17. Review status: criteria provided, single submitter. Criteria: Invitae Variant Classification Sherloc (09022015). Collection method: clinical testing. Allele origin: germline.
Comment: This sequence change replaces tryptophan, which is neutral and slightly polar, with cysteine, which is neutral and slightly polar, at codon 296 of the POC5 protein (p.Trp296Cys). This variant is present in population databases (rs745837144, gnomAD 0.06%), and has an allele count higher than expected for a pathogenic variant. This variant has not been reported in the literature in individuals affected with POC5-related conditions. ClinVar contains an entry for this variant (Variation ID: 1950410). An algorithm developed to predict the effect of missense changes on protein structure and function (PolyPhen-2) suggests that this variant is likely to be disruptive. In summary, the available evidence is currently insufficient to determine the role of this variant in disease. Therefore, it has been classified as a Variant of Uncertain Significance.

Ambry Genetics
Classification: Uncertain significance. Last evaluated: 2022-08-17. Review status: criteria provided, single submitter. Criteria: Ambry Variant Classification Scheme 2023. Collection method: clinical testing. Allele origin: germline.